The following is an entry in ClinVar:

NM_021942.6(TRAPPC11):c.3105C>T (p.His1035=)

Gene: TRAPPC11 (trafficking protein particle complex subunit 11; plus strand). Cytogenetic location: 4q35.1.
Variant type: single nucleotide variant.
Coding change: c.3105C>T on transcript NM_021942.6 (MANE Select); coding-DNA position 3105, C replaced by T.
Protein change: p.His1035=; no amino-acid change (histidine 1035 retained).
Molecular consequence: synonymous variant.
Genome position (GRCh38, 1-based): chr4:183,706,856, C>T. VCF-style: chr4-183706856-C-T. GRCh37 (hg19) VCF-style: chr4-184628009-C-T.
Other names: c.3105C>T, p.His1035= (NM_199053.3).
Identifiers: ClinVar variation 1622247 (VCV001622247.35), dbSNP rs776229259, ClinGen allele CA3152442.

ClinVar aggregate classification (germline): Likely benign. Review status: criteria provided, multiple submitters, no conflicts (2 of 4 stars). 2 submissions from 2 submitters: Likely benign (2). Last evaluated 2025-03-16.

Conditions:
Autosomal recessive limb-girdle muscular dystrophy type R18 (LGMDR18). Also called: Limb-girdle muscular dystrophy, type 2S; MUSCULAR DYSTROPHY, LIMB-GIRDLE, AUTOSOMAL RECESSIVE 18; Autosomal recessive limb-girdle muscular dystrophy type 2S. Identifiers: Orphanet 369840, MedGen C4517996, MONDO:0014144, OMIM 615356.

gnomAD v4.1: 4 of 1,614,028 alleles (0.00025%); highest among the groups gnomAD compares: Non-Finnish European, 0.00034%; no homozygotes.

Submissions (2):

Labcorp Genetics (formerly Invitae), Labcorp
Classification: Likely benign for Autosomal recessive limb-girdle muscular dystrophy type R18. Last evaluated: 2025-03-16. Review status: criteria provided, single submitter. Criteria: Invitae Variant Classification Sherloc (09022015). Collection method: clinical testing. Allele origin: germline.

CeGaT Center for Human Genetics Tuebingen
Classification: Likely benign. Last evaluated: 2022-07-01. Review status: criteria provided, single submitter. Criteria: CeGaT Center For Human Genetics Tuebingen Variant Classification Criteria Version 2. Collection method: clinical testing. Allele origin: germline. Affected: yes. Observed: 1 variant allele.
Comment: TRAPPC11: BP4, BP7